The following is an entry in ClinVar:

NM_000051.4(ATM):c.6547_6548del (p.Glu2183fs)

Genes: ATM (ATM serine/threonine kinase; plus strand), C11orf65 (chromosome 11 open reading frame 65; minus strand). Cytogenetic location: 11q22.3.
Variant type: Deletion.
Coding change: c.6547_6548del on transcript NM_000051.4 (MANE Select); coding-DNA positions 6547 to 6548, 2 bases deleted (GA; older notation c.6547_6548delGA).
Protein change: p.Glu2183fs; shifts the reading frame from glutamic acid 2183.
Molecular consequence: frameshift variant. On other transcripts: intron variant (2).
Genome position (GRCh38, 1-based): chr11:108,321,395-108,321,396, GA deleted. VCF-style (leftmost placement, unchanged base first): chr11-108321394-GGA-G. GRCh37 (hg19) VCF-style: chr11-108192121-GGA-G.
Other names: c.6547_6548del, p.Glu2183fs (NM_001351834.2); c.641-12325_641-12324del (NM_001330368.2); c.*39-12325_*39-12324del (NM_001351110.2); short protein forms E2183fs.
Identifiers: ClinVar variation 2698310 (VCV002698310.3), dbSNP rs2547164531, ClinGen allele CA2697558932.

ClinVar aggregate classification (germline): Pathogenic (1 of 4 stars; one submission).

Conditions:
Ataxia-telangiectasia syndrome (AT). Also called: LOUIS-BAR SYNDROME; Cerebello-oculocutaneous telangiectasia; Immunodeficiency with ataxia telangiectasia; Ataxia telangiectasia (A-T); Ataxia-telangiectasia, complementation group D; AT, COMPLEMENTATION GROUP C. Identifiers: Orphanet 100, MedGen C0004135, MONDO:0008840, OMIM 208900.

Submission:

Labcorp Genetics (formerly Invitae), Labcorp
Classification: Pathogenic for Ataxia-telangiectasia syndrome. Last evaluated: 2023-11-24. Review status: criteria provided, single submitter. Criteria: Invitae Variant Classification Sherloc (09022015). Collection method: clinical testing. Allele origin: germline.
Comment: This sequence change creates a premature translational stop signal (p.Glu2183Lysfs*13) in the ATM gene. It is expected to result in an absent or disrupted protein product. Loss-of-function variants in ATM are known to be pathogenic (PMID: 23807571, 25614872). This variant is not present in population databases (gnomAD no frequency). This variant has not been reported in the literature in individuals affected with ATM-related conditions. For these reasons, this variant has been classified as Pathogenic.

Literature cited by the submitters: PubMed 23807571; PubMed 25614872.